The following is an entry in ClinVar:

ClinVar aggregate classification (germline): Uncertain significance. Review status: criteria provided, multiple submitters, no conflicts (2 of 4 stars). 2 submissions from 2 submitters: Uncertain significance (2). Last evaluated 2025-12-08.

Conditions:
Inborn genetic diseases. Identifiers: MedGen C0950123, MeSH D030342.
Dystonia 12 (DYT12). Also called: Rapid-Onset Dystonia-Parkinsonism (RDP); DYT-ATP1A3. Identifiers: Orphanet 71517, MedGen C1868681, MONDO:0007496, OMIM 128235.

Submissions (2):

Ambry Genetics
Classification: Uncertain significance for Inborn genetic diseases. Last evaluated: 2025-12-08. Review status: criteria provided, single submitter. Criteria: Ambry Variant Classification Scheme 2023. Collection method: clinical testing. Allele origin: germline.
Comment: The c.1133T>C (p.V378A) alteration is located in exon 9 (coding exon 9) of the ATP1A3 gene. This alteration results from a T to C substitution at nucleotide position 1133, causing the valine (V) at amino acid position 378 to be replaced by an alanine (A). This variant was not reported in population-based cohorts in the Genome Aggregation Database (gnomAD). This amino acid position is highly conserved in available vertebrate species. This missense alteration is located in a region that has a low rate of benign missense variation (Lek, 2016; Firth, 2009). This alteration is predicted to be deleterious by in silico analysis. Based on insufficient or conflicting evidence, the clinical significance of this alteration remains unclear.

Labcorp Genetics (formerly Invitae), Labcorp
Classification: Uncertain significance for Dystonia 12. Last evaluated: 2021-06-27. Review status: criteria provided, single submitter. Criteria: Invitae Variant Classification Sherloc (09022015). Collection method: clinical testing. Allele origin: germline.
Comment: This sequence change replaces valine with alanine at codon 378 of the ATP1A3 protein (p.Val378Ala). The valine residue is highly conserved and there is a small physicochemical difference between valine and alanine. This variant is not present in population databases (ExAC no frequency). This variant has not been reported in the literature in individuals with ATP1A3-related conditions. Advanced modeling of protein sequence and biophysical properties (such as structural, functional, and spatial information, amino acid conservation, physicochemical variation, residue mobility, and thermodynamic stability) performed at Invitae indicates that this missense variant is expected to disrupt ATP1A3 protein function. In summary, the available evidence is currently insufficient to determine the role of this variant in disease. Therefore, it has been classified as a Variant of Uncertain Significance.

NM_152296.5(ATP1A3):c.1133T>C (p.Val378Ala)

Gene: ATP1A3 (ATPase Na+/K+ transporting subunit alpha 3; minus strand). Cytogenetic location: 19q13.2.
Variant type: single nucleotide variant.
Coding change: c.1133T>C on transcript NM_152296.5 (MANE Select); coding-DNA position 1133, T replaced by C.
Protein change: p.Val378Ala; replaces valine 378 with alanine.
Molecular consequence: missense variant.
Genome position (GRCh38, 1-based): chr19:41,981,967, A>G on the plus strand (T>C on the coding strand, the complement: ATP1A3 is on the minus strand). VCF-style: chr19-41981967-A-G. GRCh37 (hg19) VCF-style: chr19-42486119-A-G.
Other names: c.1166T>C, p.Val389Ala (NM_001256213.2); c.1172T>C, p.Val391Ala (NM_001256214.2); c.1133T>C (NM_152296.3); short protein forms V378A, V389A, V391A.
Identifiers: ClinVar variation 1403048 (VCV001403048.9), dbSNP rs2145972381, ClinGen allele CA406051006.